The following is an entry in ClinVar:

ClinVar aggregate classification (germline): Uncertain significance (1 of 4 stars; one submission).

Conditions:
Hypertrophic cardiomyopathy. Also called: HYPERTROPHIC MYOCARDIOPATHY. Identifiers: Orphanet 217569, MedGen C0007194, MeSH D002312, MONDO:0005045, HP:0001639.

Submission:

Labcorp Genetics (formerly Invitae), Labcorp
Classification: Uncertain significance for Hypertrophic cardiomyopathy. Last evaluated: 2023-04-23. Review status: criteria provided, single submitter. Criteria: Invitae Variant Classification Sherloc (09022015). Collection method: clinical testing. Allele origin: germline.
Comment: In summary, the available evidence is currently insufficient to determine the role of this variant in disease. Therefore, it has been classified as a Variant of Uncertain Significance. Advanced modeling of protein sequence and biophysical properties (such as structural, functional, and spatial information, amino acid conservation, physicochemical variation, residue mobility, and thermodynamic stability) has been performed at Invitae for this missense variant, however the output from this modeling did not meet the statistical confidence thresholds required to predict the impact of this variant on MYH7 protein function. This variant has not been reported in the literature in individuals affected with MYH7-related conditions. This variant is not present in population databases (gnomAD no frequency). This sequence change replaces leucine, which is neutral and non-polar, with valine, which is neutral and non-polar, at codon 1087 of the MYH7 protein (p.Leu1087Val).

NM_000257.4(MYH7):c.3259C>G (p.Leu1087Val)

Gene: MYH7 (myosin heavy chain 7; minus strand). Cytogenetic location: 14q11.2.
Variant type: single nucleotide variant.
Coding change: c.3259C>G on transcript NM_000257.4 (MANE Select); coding-DNA position 3259, C replaced by G.
Protein change: p.Leu1087Val; replaces leucine 1087 with valine.
Molecular consequence: missense variant.
Genome position (GRCh38, 1-based): chr14:23,421,035, G>C on the plus strand (C>G on the coding strand, the complement: MYH7 is on the minus strand). VCF-style: chr14-23421035-G-C. GRCh37 (hg19) VCF-style: chr14-23890244-G-C.
Other names: c.3259C>G, p.Leu1087Val (NM_001407004.1); short protein forms L1087V.
Identifiers: ClinVar variation 2858568 (VCV002858568.3), dbSNP rs1299689855, ClinGen allele CA389044546.